The following is an entry in ClinVar:

NM_000632.4(ITGAM):c.2281A>C (p.Thr761Pro)

Gene: ITGAM (integrin subunit alpha M; plus strand). Cytogenetic location: 16p11.2.
Variant type: single nucleotide variant.
Coding change: c.2281A>C on transcript NM_000632.4 (MANE Select); coding-DNA position 2281, A replaced by C.
Protein change: p.Thr761Pro; replaces threonine 761 with proline.
Molecular consequence: missense variant.
Genome position (GRCh38, 1-based): chr16:31,324,774, A>C. VCF-style: chr16-31324774-A-C. GRCh37 (hg19) VCF-style: chr16-31336095-A-C.
Other names: c.2284A>C, p.Thr762Pro (NM_001145808.2); short protein forms T761P, T762P.
Identifiers: ClinVar variation 3611977 (VCV003611977.2).

ClinVar aggregate classification (germline): Uncertain significance (1 of 4 stars; one submission).

gnomAD v4.1: 2 of 1,564,440 alleles (0.00013%); highest among the groups gnomAD compares: Non-Finnish European, 0.000086%; no homozygotes.

Submission:

Labcorp Genetics (formerly Invitae), Labcorp
Classification: Uncertain significance. Last evaluated: 2025-09-23. Review status: criteria provided, single submitter. Criteria: Invitae Variant Classification Sherloc (09022015). Collection method: clinical testing. Allele origin: germline.
Comment: This sequence change replaces threonine, which is neutral and polar, with proline, which is neutral and non-polar, at codon 761 of the ITGAM protein (p.Thr761Pro). This variant is present in population databases (no rsID available, gnomAD 0.001%). This variant has not been reported in the literature in individuals affected with ITGAM-related conditions. ClinVar contains an entry for this variant (Variation ID: 3611977). An algorithm developed to predict the effect of missense changes on protein structure and function (PolyPhen-2) suggests that this variant is likely to be disruptive. In summary, the available evidence is currently insufficient to determine the role of this variant in disease. Therefore, it has been classified as a Variant of Uncertain Significance.